The following is an entry in ClinVar:

NM_001145809.2(MYH14):c.2566C>T (p.Arg856Trp)

Gene: MYH14 (myosin heavy chain 14; plus strand). Cytogenetic location: 19q13.33.
Variant type: single nucleotide variant.
Coding change: c.2566C>T on transcript NM_001145809.2 (MANE Select); coding-DNA position 2566, C replaced by T.
Protein change: p.Arg856Trp; replaces arginine 856 with tryptophan.
Molecular consequence: missense variant.
Genome position (GRCh38, 1-based): chr19:50,261,616, C>T. VCF-style: chr19-50261616-C-T. GRCh37 (hg19) VCF-style: chr19-50764873-C-T.
Other names: c.2467C>T, p.Arg823Trp (NM_001077186.2); c.2443C>T, p.Arg815Trp (NM_024729.4); c.2566C>T (NM_001145809.1); short protein forms R815W, R823W, R856W.
Identifiers: ClinVar variation 3234812 (VCV003234812.22), dbSNP rs373763780, ClinGen allele CA9592983.

ClinVar aggregate classification (germline): Uncertain significance. Review status: criteria provided, multiple submitters, no conflicts (2 of 4 stars). 3 submissions from 3 submitters: Uncertain significance (3). Last evaluated 2026-03-09.

Conditions:
MYH14-related disorder. Also called: MYH14-related condition.

Allele frequency attached by ClinVar (database versions not stated): ExAC 0.00002; TOPMed 0.00002; gnomAD 0.00004; ESP Exome Variant Server 0.00008.
gnomAD v4.1: 52 of 1,599,058 alleles (0.0033%); highest among the groups gnomAD compares: Non-Finnish European, 0.0038%; no homozygotes.

Submissions (3):

PreventionGenetics, part of Exact Sciences
Classification: Uncertain significance for MYH14-related condition. Last evaluated: 2026-03-09. Review status: criteria provided, single submitter. Criteria: ACMG Guidelines, 2015. Collection method: clinical testing. Allele origin: germline.
Comment: The MYH14 c.2566C>T variant is predicted to result in the amino acid substitution p.Arg856Trp. To our knowledge, this variant has not been reported in the literature or in a public population database (gnomAD), indicating this variant is rare. At this time, the clinical significance of this variant is uncertain due to the absence of conclusive functional and genetic evidence.

CeGaT Center for Human Genetics Tuebingen
Classification: Uncertain significance. Last evaluated: 2024-04-01. Review status: criteria provided, single submitter. Criteria: CeGaT Center For Human Genetics Tuebingen Variant Classification Criteria Version 2. Collection method: clinical testing. Allele origin: germline. Affected: yes. Observed: 1 variant allele.
Comment: MYH14: PP3

Blueprint Genetics
Classification: Uncertain significance. Last evaluated: 2024-01-24. Review status: criteria provided, single submitter. Criteria: ACMG Guidelines, 2015. Collection method: clinical testing. Allele origin: germline.